The following is an entry in ClinVar:

NM_001035.3(RYR2):c.2613+4C>T

Gene: RYR2 (ryanodine receptor 2; plus strand). Cytogenetic location: 1q43.
Variant type: single nucleotide variant.
Coding change: c.2613+4C>T on transcript NM_001035.3 (MANE Select); 4 bases into the intron after coding-DNA position 2613, C replaced by T.
Molecular consequence: intron variant.
Genome position (GRCh38, 1-based): chr1:237,503,509, C>T. VCF-style: chr1-237503509-C-T. GRCh37 (hg19) VCF-style: chr1-237666809-C-T.
Identifiers: ClinVar variation 1943303 (VCV001943303.2), dbSNP rs371880082, ClinGen allele CA086084.
Genomic context (GRCh38, chr1:237,503,509, plus strand): 5'-CCCACAGTTTCCCTGACGCAAGCTGCCTTCACACCCATCCCTGTGGATACCAGCCAGGTA[C>T]CAAGATCCACTCGAATGGCAATCACTGGTATTGCAGTCATGCTGATACACAGTGGCTTTA-3'

ClinVar aggregate classification (germline): Uncertain significance (1 of 4 stars; one submission).

Conditions:
Catecholaminergic polymorphic ventricular tachycardia 1. Also called: VENTRICULAR TACHYCARDIA, STRESS-INDUCED POLYMORPHIC 1; VENTRICULAR TACHYCARDIA, CATECHOLAMINERGIC POLYMORPHIC, 1, WITH OR WITHOUT ATRIAL DYSFUNCTION AND/OR DILATED CARDIOMYOPATHY; RYR2-Related Catecholaminergic Polymorphic Ventricular Tachycardia. Identifiers: Orphanet 3286, MedGen C1631597, MONDO:0011484, OMIM 604772.

gnomAD v4.1: 5 of 1,612,776 alleles (0.00031%); highest among the groups gnomAD compares: South Asian, 0.0044%; no homozygotes.

Submission:

Labcorp Genetics (formerly Invitae), Labcorp
Classification: Uncertain significance for Catecholaminergic polymorphic ventricular tachycardia 1. Last evaluated: 2022-11-01. Review status: criteria provided, single submitter. Criteria: Invitae Variant Classification Sherloc (09022015). Collection method: clinical testing. Allele origin: germline.
Comment: This sequence change falls in intron 22 of the RYR2 gene. It does not directly change the encoded amino acid sequence of the RYR2 protein. It affects a nucleotide within the consensus splice site. This variant is present in population databases (rs371880082, gnomAD 0.007%). This variant has not been reported in the literature in individuals affected with RYR2-related conditions. Variants that disrupt the consensus splice site are a relatively common cause of aberrant splicing (PMID: 17576681, 9536098). Algorithms developed to predict the effect of sequence changes on RNA splicing suggest that this variant is not likely to affect RNA splicing. In summary, the available evidence is currently insufficient to determine the role of this variant in disease. Therefore, it has been classified as a Variant of Uncertain Significance.

Literature cited by the submitters: PubMed 17576681; PubMed 9536098.